The following is an entry in ClinVar:

NM_015721.3(GEMIN4):c.532C>G (p.Leu178Val)

Gene: GEMIN4 (gem nuclear organelle associated protein 4; minus strand). Cytogenetic location: 17p13.3.
Variant type: single nucleotide variant.
Coding change: c.532C>G on transcript NM_015721.3 (MANE Select); coding-DNA position 532, C replaced by G.
Protein change: p.Leu178Val; replaces leucine 178 with valine.
Molecular consequence: missense variant.
Genome position (GRCh38, 1-based): chr17:747,511, G>C on the plus strand (C>G on the coding strand, the complement: GEMIN4 is on the minus strand). VCF-style: chr17-747511-G-C. GRCh37 (hg19) VCF-style: chr17-650751-G-C.
Other names: short protein forms L178V.
Identifiers: ClinVar variation 2509840 (VCV002509840.4), dbSNP rs370503352, ClinGen allele CA8262876.
Genomic context (GRCh38, chr17:747,511, plus strand): 5'-GGGGGAACTCATCTAAGGCAGGCAGGTACTTATGGGCCATTGCACTAAACTGGGAGAGCA[G>C]GGGGTCCTGCGGGTGACCCTTGTGCTTCATCACCTCCCACCAGACGTCCAGGAAGAAGGC-3'
Protein context (NP_056536.2, residues 168-188): MKHKGHPQDP[Leu178Val]LSQFSAMAHK

ClinVar aggregate classification (germline): Uncertain significance. Review status: criteria provided, multiple submitters, no conflicts (2 of 4 stars). 2 submissions from 2 submitters: Uncertain significance (2). Last evaluated 2025-10-02.

Allele frequency attached by ClinVar (database versions not stated): 1000 Genomes Project 30x 0.00016; ExAC 0.00007; TOPMed 0.00025; ESP Exome Variant Server 0.00008.
gnomAD v4.1: 59 of 1,613,838 alleles (0.0037%); highest among the groups gnomAD compares: African/African-American, 0.073%; no homozygotes.

Submissions (2):

Ambry Genetics
Classification: Uncertain significance. Last evaluated: 2025-10-02. Review status: criteria provided, single submitter. Criteria: Ambry Variant Classification Scheme 2023. Collection method: clinical testing. Allele origin: germline.

GeneDx
Classification: Uncertain significance. Last evaluated: 2023-11-29. Review status: criteria provided, single submitter. Criteria: GeneDx Variant Classification Process June 2021. Collection method: clinical testing. Allele origin: germline. Affected: yes.
Comment: In silico analysis supports that this missense variant does not alter protein structure/function; Has not been previously published as pathogenic or benign to our knowledge